The following is an entry in ClinVar:

ClinVar aggregate classification (germline): Benign. Review status: criteria provided, multiple submitters, no conflicts (2 of 4 stars). 11 submissions from 11 submitters: Benign (9). 2 of the submissions do not count toward it. Last evaluated 2026-02-02.

Conditions:
Microcephaly 5, primary, autosomal recessive (MCPH5). Also called: ASPM Primary Microcephaly. Identifiers: Orphanet 2512, MedGen C1837501, MONDO:0012106, OMIM 608716.

Allele frequency attached by ClinVar (database versions not stated): ESP Exome Variant Server 0.26353; gnomAD exomes 0.27935 and 0.29907; ExAC 0.28011; 1000 Genomes Project 30x 0.21268; 1000 Genomes Project 0.21665; TOPMed 0.24809; gnomAD 0.25519 and 0.25582.
gnomAD v4.1: 473,425 of 1,606,914 alleles (29%); highest among the groups gnomAD compares: Middle Eastern, 35%; 72,176 homozygotes.

Submissions (11):

Labcorp Genetics (formerly Invitae), Labcorp
Classification: Benign. Last evaluated: 2026-02-02. Review status: criteria provided, single submitter. Criteria: Invitae Variant Classification Sherloc (09022015). Collection method: clinical testing. Allele origin: germline.

Genome-Nilou Lab
Classification: Benign for Microcephaly 5, primary, autosomal recessive. Last evaluated: 2023-04-11. Review status: criteria provided, single submitter. Criteria: ACMG Guidelines, 2015. Collection method: clinical testing. Allele origin: germline. Affected: no.

Illumina Laboratory Services, Illumina
Classification: Benign for Microcephaly 5, primary, autosomal recessive. Last evaluated: 2018-01-13. Review status: criteria provided, single submitter. Criteria: ICSL Variant Classification Criteria 13 December 2019. Collection method: clinical testing. Allele origin: germline.
Comment: This variant was observed in the ICSL laboratory as part of a predisposition screen in an ostensibly healthy population. It had not been previously curated by ICSL or reported in the Human Gene Mutation Database (HGMD: prior to June 1st, 2018), and was therefore a candidate for classification through an automated scoring system. Utilizing variant allele frequency, disease prevalence and penetrance estimates, and inheritance mode, an automated score was calculated to assess if this variant is too frequent to cause the disease. Based on the score and internal cut-off values, a variant classified as benign is not then subjected to further curation. The score for this variant resulted in a classification of benign for this disease.

Athena Diagnostics
Classification: Benign. Last evaluated: 2017-08-02. Review status: criteria provided, single submitter. Criteria: Athena Diagnostics Criteria. Collection method: clinical testing. Allele origin: germline.

Clinical Genetics DNA and cytogenetics Diagnostics Lab, Erasmus MC, Erasmus Medical Center
Classification: Benign for Microcephaly 5, primary, autosomal recessive. Last evaluated: 2017-06-28. Review status: criteria provided, single submitter. Criteria: ACGS Guidelines, 2013. Collection method: clinical testing. Allele origin: germline. Affected: yes. Study: VKGL Data-share Consensus.

GeneDx
Classification: Benign. Last evaluated: 2015-03-03. Review status: criteria provided, single submitter. Criteria: GeneDx Variant Classification Process June 2021. Collection method: clinical testing. Allele origin: germline. Affected: yes.

Genetic Services Laboratory, University of Chicago
Classification: Benign. Last evaluated: 2013-02-08. Review status: criteria provided, single submitter. Criteria: ACMG Guidelines, 2007. Collection method: clinical testing. Allele origin: germline. Inheritance: Autosomal recessive inheritance.

Breakthrough Genomics
Classification: Benign. Review status: criteria provided, single submitter. Criteria: ACMG Guidelines, 2015. Collection method: not provided. Allele origin: germline. Inheritance: Autosomal recessive inheritance. Affected: yes.

PreventionGenetics, part of Exact Sciences
Classification: Benign. Review status: criteria provided, single submitter. Criteria: ACMG Guidelines, 2015. Collection method: clinical testing. Allele origin: germline.

Diagnostic Laboratory, Department of Genetics, University Medical Center Groningen
Classification: Benign for Microcephaly 5, primary, autosomal recessive. Review status: no assertion criteria provided. Collection method: clinical testing. Allele origin: germline. Affected: yes. Study: VKGL Data-share Consensus. Not counted in ClinVar's aggregate classification.

GeneReviews
No classification provided. Condition: Microcephaly 5, primary, autosomal recessive. Review status: no classification provided. Collection method: literature only. Allele origin: unknown. Not counted in ClinVar's aggregate classification.

Literature cited by the submitters: PubMed 20301772 (cited by GeneReviews); NCBI Bookshelf NBK9587 (cited by GeneReviews).

NM_018136.5(ASPM):c.3138G>A (p.Arg1046=)

Gene: ASPM (assembly factor for spindle microtubules; minus strand). Cytogenetic location: 1q31.3.
Variant type: single nucleotide variant.
Coding change: c.3138G>A on transcript NM_018136.5 (MANE Select); coding-DNA position 3138, G replaced by A.
Protein change: p.Arg1046=; no amino-acid change (arginine 1046 retained).
Molecular consequence: synonymous variant.
Genome position (GRCh38, 1-based): chr1:197,124,900, C>T on the plus strand (G>A on the coding strand, the complement: ASPM is on the minus strand). VCF-style: chr1-197124900-C-T. GRCh37 (hg19) VCF-style: chr1-197094030-C-T.
Other names: c.3138G>A, p.Arg1046= (NM_001206846.2).
Identifiers: ClinVar variation 21573 (VCV000021573.22), dbSNP rs6676084, ClinGen allele CA171194.
Genomic context (GRCh38, chr1:197,124,900, plus strand): 5'-AAAATACAAGATGTACCAAATGTATAATACCTGAAAAGCAAACGCTATTTTCCAAAGCAA[C>T]CTGAGAGTTTTTTCTCTGTGCCTATCCACAATATCCTTAGATAGAATTGTATTTCCTATA-3'
Protein context (NP_060606.3, residues 1036-1056): IVDRHREKTL[Arg1046=]LLWKIAFAFQ